The following is an entry in ClinVar:

ClinVar aggregate classification (germline): Likely benign. Review status: criteria provided, multiple submitters, no conflicts (2 of 4 stars). 2 submissions from 2 submitters: Likely benign (2). Last evaluated 2025-12-26.

Conditions:
Familial adenomatous polyposis 1 (FAP1). Also called: FAMILIAL ADENOMATOUS POLYPOSIS 1, ATTENUATED; POLYPOSIS, ADENOMATOUS INTESTINAL. Identifiers: MedGen C2713442, MONDO:0021056, OMIM 175100. Disease mechanism: loss of function.

Submissions (2):

Labcorp Genetics (formerly Invitae), Labcorp
Classification: Likely benign for Familial adenomatous polyposis 1. Last evaluated: 2025-12-26. Review status: criteria provided, single submitter. Criteria: Invitae Variant Classification Sherloc (09022015). Collection method: clinical testing. Allele origin: germline.

Myriad Genetics, Inc.
Classification: Likely benign for Familial adenomatous polyposis 1. Last evaluated: 2024-02-26. Review status: criteria provided, single submitter. Criteria: Myriad Autosomal Dominant, Autosomal Recessive and X-Linked Classification Criteria (2023). Collection method: clinical testing. Allele origin: unknown.
Comment: This variant is considered likely benign. This variant is intronic and is not expected to impact mRNA splicing.

NM_000038.6(APC):c.646-19del

Gene: APC (APC regulator of Wnt signaling pathway; plus strand). Cytogenetic location: 5q22.2.
Variant type: Deletion.
Coding change: c.646-19del on transcript NM_000038.6 (MANE Select); 19 bases into the intron before coding-DNA position 646, one base deleted (G; older notation c.646-19delG).
Molecular consequence: intron variant.
Genome position (GRCh38, 1-based): chr5:112,792,427, G deleted; the last of 2 consecutive G bases (chr5:112,792,426-112,792,427); deleting either gives the same sequence. VCF-style (leftmost placement, unchanged base first): chr5-112792425-AG-A. GRCh37 (hg19) VCF-style: chr5-112128122-AG-A.
Other names: c.646-19del (NM_001354895.2, NM_001127510.3, NM_001354896.2 and 1 more transcripts); c.676-19del (NM_001354897.2, NM_001354902.2); c.676-8852del (NM_001127511.3); c.571-19del (NM_001354898.2, NM_001354904.2); c.-390-19del (NM_001354906.2); c.646-8852del (NM_001354899.2); c.469-19del (NM_001354900.2, NM_001354901.2, NM_001354905.2).
Identifiers: ClinVar variation 2149777 (VCV002149777.5), dbSNP rs2532630458, ClinGen allele CA2580072252.